The following is an entry in ClinVar:

ClinVar aggregate classification (germline): Uncertain significance (1 of 4 stars; one submission).

Conditions:
Hereditary cancer-predisposing syndrome. Also called: Neoplastic Syndromes, Hereditary; Tumor predisposition; Hereditary Cancer Syndrome; Hereditary neoplastic syndrome. Identifiers: Orphanet 140162, MedGen C0027672, MeSH D009386, MONDO:0015356.

Submission:

Ambry Genetics
Classification: Uncertain significance for Hereditary cancer-predisposing syndrome. Last evaluated: 2026-06-17. Review status: criteria provided, single submitter. Criteria: Ambry Variant Classification Scheme 2023. Collection method: clinical testing. Allele origin: germline.
Comment: The c.1628G>A variant (also known as p.R543K), located in coding exon 10 of the BRIP1 gene, results from a G to A substitution at nucleotide position 1628. The amino acid change results in arginine to lysine at codon 543, an amino acid with highly similar properties. However, this change occurs in the last base pair of coding exon 10, which makes it likely to have some effect on normal mRNA splicing. This nucleotide position is well conserved in available vertebrate species. In silico splice site analysis predicts that this alteration will weaken the native splice donor site; however, direct evidence is insufficient at this time (Ambry internal data). Based on the available evidence, the clinical significance of this variant remains unclear.

NM_032043.3(BRIP1):c.1628G>A (p.Arg543Lys)

Gene: BRIP1 (BRCA1 interacting DNA helicase 1; minus strand). Cytogenetic location: 17q23.2.
Variant type: single nucleotide variant.
Coding change: c.1628G>A on transcript NM_032043.3 (MANE Select); coding-DNA position 1628, G replaced by A.
Protein change: p.Arg543Lys; replaces arginine 543 with lysine.
Molecular consequence: missense variant.
Genome position (GRCh38, 1-based): chr17:61,784,270, C>T on the plus strand (G>A on the coding strand, the complement: BRIP1 is on the minus strand). VCF-style: chr17-61784270-C-T. GRCh37 (hg19) VCF-style: chr17-59861631-C-T.
Other names: short protein forms R543K.
Identifiers: ClinVar variation 4216239 (VCV004216239.2).